The following is an entry in ClinVar:

NM_052844.4(DYNC2I2):c.1480C>T (p.Gln494Ter)

Genes: DYNC2I2 (dynein 2 intermediate chain 2; minus strand), SPTAN1 (spectrin alpha, non-erythrocytic 1; plus strand). Cytogenetic location: 9q34.11.
Variant type: single nucleotide variant.
Coding change: c.1480C>T on transcript NM_052844.4 (MANE Select); coding-DNA position 1480, C replaced by T.
Protein change: p.Gln494Ter; replaces glutamine 494 with a stop codon.
Molecular consequence: nonsense.
Genome position (GRCh38, 1-based): chr9:128,633,875, G>A on the plus strand (C>T on the coding strand, the complement: DYNC2I2 is on the minus strand). VCF-style: chr9-128633875-G-A. GRCh37 (hg19) VCF-style: chr9-131396154-G-A.
Other names: short protein forms Q494*.
Identifiers: ClinVar variation 446621 (VCV000446621.10), dbSNP rs751323441, ClinGen allele CA5266174.

ClinVar aggregate classification (germline): Conflicting classifications of pathogenicity. Review status: criteria provided, conflicting classifications (1 of 4 stars). 4 submissions from 4 submitters: Pathogenic (1); Uncertain significance (1). 2 of the submissions do not count toward it. Last evaluated 2025-09-14.

Conditions:
Short-rib thoracic dysplasia 11 with or without polydactyly (SRTD11). Also called: SHORT-RIB THORACIC DYSPLASIA 11 WITHOUT POLYDACTYLY. Identifiers: Orphanet 474, Orphanet 93271, MedGen C3810200, MONDO:0014287, OMIM 615633.
Jeune thoracic dystrophy. Also called: Jeune syndrome; Infantile thoracic dystrophy; Thoracic pelvic phalangeal dystrophy; Jeune's syndrome; Chondroectodermal dysplasia-like syndrome; Short-rib thoracic dysplasia. Identifiers: Orphanet 474, MedGen C0265275, MONDO:0018770.

Allele frequency attached by ClinVar (database versions not stated): gnomAD exomes below 0.00001 and 0.00001; TOPMed below 0.00001; ExAC 0.00002.

Submissions (4):

Labcorp Genetics (formerly Invitae), Labcorp
Classification: Pathogenic for Short-rib thoracic dysplasia 11 with or without polydactyly. Last evaluated: 2025-09-14. Review status: criteria provided, single submitter. Criteria: Invitae Variant Classification Sherloc (09022015). Collection method: clinical testing. Allele origin: germline.
Comment: This sequence change creates a premature translational stop signal (p.Gln494*) in the WDR34 gene. While this is not anticipated to result in nonsense mediated decay, it is expected to disrupt the last 43 amino acid(s) of the WDR34 protein. This variant is present in population databases (rs751323441, gnomAD 0.003%). This premature translational stop signal has been observed in individual(s) with asphyxiating thoracic dystrophy (PMID: 29068549). ClinVar contains an entry for this variant (Variation ID: 446621). This variant disrupts a region of the WDR34 protein in which other variant(s) (p.Thr514Argfs*11) have been determined to be pathogenic (PMID: 24183451). This suggests that this is a clinically significant region of the protein, and that variants that disrupt it are likely to be disease-causing. For these reasons, this variant has been classified as Pathogenic.

GeneDx
Classification: Uncertain significance. Last evaluated: 2024-11-27. Review status: criteria provided, single submitter. Criteria: GeneDx Variant Classification Process June 2021. Collection method: clinical testing. Allele origin: germline. Affected: yes.
Comment: Nonsense variant predicted to result in protein truncation, as the last 43 amino acids are lost, and other loss-of-function variants have been reported downstream in HGMD; This variant is associated with the following publications: (PMID: 29068549)

Dan Cohn Lab, University Of California Los Angeles
Classification: Pathogenic for Asphyxiating thoracic dystrophy. Last evaluated: 2017-06-01. Review status: no assertion criteria provided. Collection method: research. Allele origin: unknown. Affected: yes. Not counted in ClinVar's aggregate classification.

University of Washington Center for Mendelian Genomics, University of Washington
Classification: Likely pathogenic for asphyxiating thoracic dystrophy. Review status: no assertion criteria provided. Collection method: research. Allele origin: inherited. Affected: yes. Not counted in ClinVar's aggregate classification.

Literature cited by the submitters: PubMed 29068549 (cited by 3 submitters); PubMed 24183451 (cited by Labcorp Genetics (formerly Invitae), Labcorp).